The following is an entry in ClinVar:

ClinVar aggregate classification (germline): Uncertain significance (1 of 4 stars; one submission).

Submission:

Ambry Genetics
Classification: Uncertain significance. Last evaluated: 2024-02-02. Review status: criteria provided, single submitter. Criteria: Ambry Variant Classification Scheme 2023. Collection method: clinical testing. Allele origin: germline.
Comment: The p.F1629L variant (also known as c.4885T>C), located in coding exon 16 of the POLQ gene, results from a T to C substitution at nucleotide position 4885. The phenylalanine at codon 1629 is replaced by leucine, an amino acid with highly similar properties. This amino acid position is conserved. In addition, this alteration is predicted to be tolerated by in silico analysis. Based on the available evidence, the clinical significance of this alteration remains unclear.

NM_199420.4(POLQ):c.4885T>C (p.Phe1629Leu)

Gene: POLQ (DNA polymerase theta; minus strand). Cytogenetic location: 3q13.33.
Variant type: single nucleotide variant.
Coding change: c.4885T>C on transcript NM_199420.4 (MANE Select); coding-DNA position 4885, T replaced by C.
Protein change: p.Phe1629Leu; replaces phenylalanine 1629 with leucine.
Molecular consequence: missense variant.
Genome position (GRCh38, 1-based): chr3:121,488,046, A>G on the plus strand (T>C on the coding strand, the complement: POLQ is on the minus strand). VCF-style: chr3-121488046-A-G. GRCh37 (hg19) VCF-style: chr3-121206893-A-G.
Other names: short protein forms F1629L.
Identifiers: ClinVar variation 2274804 (VCV002274804.2), dbSNP rs2546785413, ClinGen allele CA354093395.